The following is an entry in ClinVar:

ClinVar aggregate classification (germline): Benign/Likely benign. Review status: criteria provided, multiple submitters, no conflicts (2 of 4 stars). 5 submissions from 5 submitters: Benign (2); Likely benign (3). Last evaluated 2026-03-26.

Conditions:
TGFB1-related disorder. Also called: TGFB1-related condition.

Allele frequency attached by ClinVar (database versions not stated): gnomAD 0.00004 and 0.00013; TOPMed 0.00010; 1000 Genomes Project 0.00020; 1000 Genomes Project 30x 0.00031; gnomAD exomes 0.00073; ExAC 0.00222.
gnomAD v4.1: 414 of 1,539,434 alleles (0.027%); highest among the groups gnomAD compares: South Asian, 0.34%; 4 homozygotes.

Submissions (5):

PreventionGenetics, part of Exact Sciences
Classification: Likely benign for TGFB1-related condition. Last evaluated: 2026-03-26. Review status: criteria provided, single submitter. Criteria: ACMG Guidelines, 2015. Collection method: clinical testing. Allele origin: germline.
Comment: This variant is classified as likely benign based on ACMG/AMP sequence variant interpretation guidelines (Richards et al. 2015 PMID: 25741868, with internal and published modifications).

Labcorp Genetics (formerly Invitae), Labcorp
Classification: Benign. Last evaluated: 2025-11-09. Review status: criteria provided, single submitter. Criteria: Invitae Variant Classification Sherloc (09022015). Collection method: clinical testing. Allele origin: germline.

Blueprint Genetics
Classification: Likely benign. Last evaluated: 2024-11-26. Review status: criteria provided, single submitter. Criteria: ACMG Guidelines, 2015. Collection method: clinical testing. Allele origin: germline.

CeGaT Center for Human Genetics Tuebingen
Classification: Likely benign. Last evaluated: 2023-03-01. Review status: criteria provided, single submitter. Criteria: CeGaT Center For Human Genetics Tuebingen Variant Classification Criteria Version 2. Collection method: clinical testing. Allele origin: germline. Affected: yes. Observed: 1 variant allele.
Comment: TGFB1: BP4, BP7

Breakthrough Genomics
Classification: Benign. Review status: criteria provided, single submitter. Criteria: ACMG Guidelines, 2015. Collection method: not provided. Allele origin: germline. Inheritance: Autosomal recessive inheritance. Affected: yes.

NM_000660.7(TGFB1):c.55C>T (p.Leu19=)

Gene: TGFB1 (transforming growth factor beta 1; minus strand). Cytogenetic location: 19q13.2.
Variant type: single nucleotide variant.
Coding change: c.55C>T on transcript NM_000660.7 (MANE Select); coding-DNA position 55, C replaced by T.
Protein change: p.Leu19=; no amino-acid change (leucine 19 retained).
Molecular consequence: synonymous variant.
Genome position (GRCh38, 1-based): chr19:41,352,990, G>A on the plus strand (C>T on the coding strand, the complement: TGFB1 is on the minus strand). VCF-style: chr19-41352990-G-A. GRCh37 (hg19) VCF-style: chr19-41858895-G-A.
Other names: c.55C>T (NM_000660.6).
Identifiers: ClinVar variation 704371 (VCV000704371.36), dbSNP rs72480425, ClinGen allele CA9460181.
Genomic context (GRCh38, chr19:41,352,990, plus strand): 5'-CCATGTCGATAGTCTTGCAGGTGGATAGTCCCGCGGCCGGCCGGCCAGGCGTCAGCACCA[G>A]TAGCCACAGCAGCGGTAGCAGCAGCGGCAGCAGCCGCAGCCCGGAGGGCGGCATGGGGGA-3'
Protein context (NP_000651.3, residues 9-29): LPLLLPLLWL[Leu19=]VLTPGRPAAG